The following is an entry in ClinVar:

NM_031924.8(RSPH3):c.-10G>T

Gene: RSPH3 (radial spoke head 3; minus strand). Cytogenetic location: 6q25.3.
Variant type: single nucleotide variant.
Coding change: c.-10G>T on transcript NM_031924.8 (MANE Select); 10 bases upstream of the start codon, G replaced by T.
Molecular consequence: 5 prime UTR variant. On other transcripts: missense variant (1), non-coding transcript variant (1).
Genome position (GRCh38, 1-based): chr6:158,999,560, C>A on the plus strand (G>T on the coding strand, the complement: RSPH3 is on the minus strand). VCF-style: chr6-158999560-C-A. GRCh37 (hg19) VCF-style: chr6-159420592-C-A.
Other names: c.417G>T, p.Gln139His (NM_001346418.1); short protein forms Q139H.
Identifiers: ClinVar variation 972440 (VCV000972440.7), dbSNP rs143166491, ClinGen allele CA4076027.
Genomic context (GRCh38, chr6:158,999,560, plus strand): 5'-GGTGTAGGTGCTCGGGGCCCGAGAGGTGCGATCAGTCAGCGCTGAGGCCATGTCCGGGGG[C>A]TGACTGCCTCGCTTTCGGTGGAGCTTGGCTTTGAAGCAGGTGGGCGCTAAGGTGTTGTGG-3'

ClinVar aggregate classification (germline): Uncertain significance. Review status: criteria provided, multiple submitters, no conflicts (2 of 4 stars). 2 submissions from 2 submitters: Uncertain significance (2). Last evaluated 2025-02-02.

Conditions:
Inborn genetic diseases. Identifiers: MedGen C0950123, MeSH D030342.
Primary ciliary dyskinesia 32. Also called: CILIARY DYSKINESIA, PRIMARY, 32, WITHOUT SITUS INVERSUS. Identifiers: Orphanet 244, MedGen C4225311, MONDO:0014657, OMIM 616481.

Allele frequency attached by ClinVar (database versions not stated): TOPMed 0.00019; gnomAD 0.00021 and 0.00024; gnomAD exomes 0.00026 and 0.00031; ESP Exome Variant Server 0.00031; ExAC 0.00037.
gnomAD v4.1: 396 of 1,606,182 alleles (0.025%); highest among the groups gnomAD compares: Non-Finnish European, 0.027%; no homozygotes.

Submissions (2):

Ambry Genetics
Classification: Uncertain significance for Inborn genetic diseases. Last evaluated: 2025-02-02. Review status: criteria provided, single submitter. Criteria: Ambry Variant Classification Scheme 2023. Collection method: clinical testing. Allele origin: germline.

Labcorp Genetics (formerly Invitae), Labcorp
Classification: Uncertain significance for Primary ciliary dyskinesia 32. Last evaluated: 2022-05-05. Review status: criteria provided, single submitter. Criteria: Invitae Variant Classification Sherloc (09022015). Collection method: clinical testing. Allele origin: germline.
Comment: This sequence change replaces glutamine, which is neutral and polar, with histidine, which is basic and polar, at codon 139 of the RSPH3 protein (p.Gln139His). This variant is present in population databases (rs143166491, gnomAD 0.1%). This variant has not been reported in the literature in individuals affected with RSPH3-related conditions. ClinVar contains an entry for this variant (Variation ID: 972440). Algorithms developed to predict the effect of missense changes on protein structure and function (SIFT, PolyPhen-2, Align-GVGD) all suggest that this variant is likely to be tolerated. In summary, the available evidence is currently insufficient to determine the role of this variant in disease. Therefore, it has been classified as a Variant of Uncertain Significance.